The following is an entry in ClinVar:

ClinVar aggregate classification (germline): Benign/Likely benign. Review status: criteria provided, multiple submitters, no conflicts (2 of 4 stars). 4 submissions from 3 submitters: Benign (1); Likely benign (3). Last evaluated 2026-01-13.

Conditions:
Schwartz-Jampel syndrome. Also called: Myotonic myopathy dwarfism chondrodystrophy and ocular and facial abnormalities. Identifiers: Orphanet 800, MedGen C0036391, MONDO:0009717.
Lethal Kniest-like syndrome (DDSH). Also called: Dyssegmental Dysplasia. Identifiers: Orphanet 1865, MedGen C1857100, MONDO:0009140, OMIM 224410.

Allele frequency attached by ClinVar (database versions not stated): gnomAD exomes 0.00041; ExAC 0.00055; gnomAD 0.00185; TOPMed 0.00196; 1000 Genomes Project 0.00200; ESP Exome Variant Server 0.00223; 1000 Genomes Project 30x 0.00250.
gnomAD v4.1: 501 of 1,613,946 alleles (0.031%); highest among the groups gnomAD compares: African/African-American, 0.63%; no homozygotes.

Submissions (4):

Labcorp Genetics (formerly Invitae), Labcorp
Classification: Benign. Last evaluated: 2026-01-13. Review status: criteria provided, single submitter. Criteria: Invitae Variant Classification Sherloc (09022015). Collection method: clinical testing. Allele origin: germline.

ARUP Laboratories, Molecular Genetics and Genomics, ARUP Laboratories
Classification: Likely benign. Last evaluated: 2025-02-25. Review status: criteria provided, single submitter. Criteria: ARUP Molecular Germline Variant Investigation Process 2024. Collection method: clinical testing. Allele origin: germline.

Illumina Laboratory Services, Illumina
Classification: Likely benign for Lethal Kniest-like syndrome. Last evaluated: 2018-01-13. Review status: criteria provided, single submitter. Criteria: ICSL Variant Classification Criteria 13 December 2019. Collection method: clinical testing. Allele origin: germline.
Comment: This variant was observed in the ICSL laboratory as part of a predisposition screen in an ostensibly healthy population. It had not been previously curated by ICSL or reported in the Human Gene Mutation Database (HGMD: prior to June 1st, 2018), and was therefore a candidate for classification through an automated scoring system. Utilizing variant allele frequency, disease prevalence and penetrance estimates, and inheritance mode, an automated score was calculated to assess if this variant is too frequent to cause the disease. Based on the score and internal cut-off values, a variant classified as likely benign is not then subjected to further curation. The score for this variant resulted in a classification of likely benign for this disease.

Illumina Laboratory Services, Illumina
Classification: Likely benign for Schwartz-Jampel syndrome type 1. Last evaluated: 2018-01-13. Review status: criteria provided, single submitter. Criteria: ICSL Variant Classification Criteria 13 December 2019. Collection method: clinical testing. Allele origin: germline.
Comment: the same text as in the submission from Illumina Laboratory Services, Illumina above.

NM_005529.7(HSPG2):c.355-14G>C

Gene: HSPG2 (heparan sulfate proteoglycan 2; minus strand). Cytogenetic location: 1p36.12.
Variant type: single nucleotide variant.
Coding change: c.355-14G>C on transcript NM_005529.7 (MANE Select); 14 bases into the intron before coding-DNA position 355, G replaced by C.
Molecular consequence: intron variant.
Genome position (GRCh38, 1-based): chr1:21,890,499, C>G on the plus strand (G>C on the coding strand, the complement: HSPG2 is on the minus strand). VCF-style: chr1-21890499-C-G. GRCh37 (hg19) VCF-style: chr1-22216992-C-G.
Other names: c.355-14G>C (NM_001291860.2).
Identifiers: ClinVar variation 811592 (VCV000811592.21), dbSNP rs372356869, ClinGen allele CA673912.
Genomic context (GRCh38, chr1:21,890,499, plus strand): 5'-ACACTGACAACCTGGTCTCCGGGAATTTTCAAGTACTCCGACTCCAGCTGGGGAGGGACA[C>G]AGTGCCATCAGCCCCAGAGGCCTTCACCCCATCCTCGGTCCTGCCCCGCCACACCCGCGA-3'